The following is an entry in ClinVar:

NM_000143.4(FH):c.1197C>T (p.Ser399=)

Gene: FH (fumarate hydratase; minus strand). Cytogenetic location: 1q43.
Variant type: single nucleotide variant.
Coding change: c.1197C>T on transcript NM_000143.4 (MANE Select); coding-DNA position 1197, C replaced by T.
Protein change: p.Ser399=; no amino-acid change (serine 399 retained).
Molecular consequence: synonymous variant.
Genome position (GRCh38, 1-based): chr1:241,502,482, G>A on the plus strand (C>T on the coding strand, the complement: FH is on the minus strand). VCF-style: chr1-241502482-G-A. GRCh37 (hg19) VCF-style: chr1-241665782-G-A.
Other names: c.1197C>T (NM_000143.3).
Identifiers: ClinVar variation 1102051 (VCV001102051.12), dbSNP rs1659805592, ClinGen allele CA424075665.
Genomic context (GRCh38, chr1:241,502,482, plus strand): 5'-AAAATCAGATTTAAAGCTTACCATCATTGGCTTGAAAACATTCAACTCAAAATGTCCATT[G>A]CTGCCTCCGACAGTGACAGCAACATGGTTCCCCATGACTTGGGCTGCAACCATGGTCATT-3'
Protein context (NP_000134.2, residues 389-409): GNHVAVTVGG[Ser399=]NGHFELNVFK

ClinVar aggregate classification (germline): Conflicting classifications of pathogenicity. Review status: criteria provided, conflicting classifications (1 of 4 stars). 4 submissions from 4 submitters: Uncertain significance (1); Benign (1); Likely benign (2). Last evaluated 2025-05-06.

Conditions:
Hereditary cancer-predisposing syndrome. Also called: Neoplastic Syndromes, Hereditary; Hereditary Cancer Syndrome; Hereditary neoplastic syndrome; Tumor predisposition. Identifiers: Orphanet 140162, MedGen C0027672, MeSH D009386, MONDO:0015356.
Hereditary leiomyomatosis and renal cell cancer. Also called: Reed syndrome; Multiple cutaneous and uterine leiomyomatosis; Cutaneous leiomyomata with uterine leiomyomata; Leiomyoma, hereditary multiple, of skin; Multiple cutaneous and uterine leiomyomata; Multiple cutaneous leiomyomas. Identifiers: Orphanet 523, MedGen C1708350, MONDO:0007888, OMIM 150800, HP:0007437. Disease mechanism: loss of function.

Allele frequency attached by ClinVar (database versions not stated): gnomAD exomes below 0.00001; TOPMed below 0.00001.
gnomAD v4.1: 1 of 1,614,064 alleles (0.000062%); highest among the groups gnomAD compares: African/African-American, 0.0013%; no homozygotes.

Submissions (4):

GeneDx
Classification: Uncertain significance. Last evaluated: 2025-05-06. Review status: criteria provided, single submitter. Criteria: GeneDx Variant Classification Process June 2021. Collection method: clinical testing. Allele origin: germline. Affected: yes.
Comment: Not observed at significant frequency in large population cohorts (gnomAD); In silico analysis suggests that this variant does not alter splicing; Has not been previously published as pathogenic or benign to our knowledge

Labcorp Genetics (formerly Invitae), Labcorp
Classification: Likely benign. Last evaluated: 2025-05-04. Review status: criteria provided, single submitter. Criteria: Invitae Variant Classification Sherloc (09022015). Collection method: clinical testing. Allele origin: germline.

Myriad Genetics, Inc.
Classification: Benign for Hereditary leiomyomatosis and renal cell cancer. Last evaluated: 2024-10-21. Review status: criteria provided, single submitter. Criteria: Myriad Autosomal Dominant, Autosomal Recessive and X-Linked Classification Criteria (2023). Collection method: clinical testing. Allele origin: unknown.
Comment: This variant is considered benign. This variant is a silent/synonymous amino acid change and it is not expected to impact splicing.

Ambry Genetics
Classification: Likely benign for Hereditary cancer-predisposing syndrome. Last evaluated: 2024-01-05. Review status: criteria provided, single submitter. Criteria: Ambry Variant Classification Scheme 2023. Collection method: clinical testing. Allele origin: germline.